The following is an entry in ClinVar:

ClinVar aggregate classification (germline): Pathogenic (1 of 4 stars; one submission).

Conditions:
Neurofibromatosis, type 1 (NF1). Also called: VON RECKLINGHAUSEN DISEASE; NEUROFIBROMATOSIS, TYPE I, SOMATIC; Peripheral type neurofibromatosis; Neurofibromatosis, type I. Identifiers: Orphanet 636, MedGen C0027831, MONDO:0018975, OMIM 162200. Disease mechanism: loss of function.

Submission:

Victorian Clinical Genetics Services, Murdoch Childrens Research Institute
Classification: Pathogenic for Neurofibromatosis, type 1. Last evaluated: 2022-02-02. Review status: criteria provided, single submitter. Criteria: ACMG Guidelines, 2015. Collection method: clinical testing. Allele origin: germline. Inheritance: Autosomal dominant inheritance. Affected: yes.
Comment: Based on the classification scheme VCGS_Germline_v1.3.4, this variant is classified as Pathogenic. Following criteria are met: 0102 - Loss of function is a known mechanism of disease in this gene and is associated with neurofibromatosis type 1 (NF1; MIM#162200). (I) 0107 - This gene is associated with autosomal dominant disease. (I) 0115 - Variants in this gene are known to have variable expressivity. A child can be more severely affected than the carrier parent (PMID: 20301288). (I) 0210 - Splice site variant proven to affect splicing of the transcript with a known effect on protein sequence. RNA studies show that this variant results in aberrant splicing due to usage of a cryptic site 4 nucleotides upstream of the canonical 3' splice site of intron 7, which is predicted to lead to a frameshift and generation of a premature stop codon, p.(Glu244Glyfs*9). These transcripts are predicted to be targeted by nonsense mediated decay (NMD). It was also reported that this variant induces complete mis-splicing of all mRNA arising from this allele, with undetectable levels of remnant normal splicing (Prof. S. Cooper, Splicing Diagnostics, Kid's Neuroscience Centre). (SP) 0251 - This variant is heterozygous. (I) 0301 - Variant is absent from gnomAD (both v2 and v3). (SP) 0311 - An alternative nucleotide change at the same splice site, is present in gnomAD (v3; 1 heterozygote, 0 homozygotes). 0701 - Other NMD predicted variants comparable to the one identified in this case have very strong previous evidence for pathogenicity (ClinVar). In addition, a different splice variant at this nucleotide position, c.731-5T>C, has been recorded in ClinVar as a VUS and likely benign, but no RNA studies have been performed. (SP) 0807 - This variant has no previous evidence of pathogenicity. (SP) Legend: (SP) - Supporting pathogenic, (I) - Information, (SB) - Supporting benign

Literature cited by the submitters: PubMed 20301288.

NM_001042492.3(NF1):c.731-5T>G

Gene: NF1 (neurofibromin 1; plus strand). Cytogenetic location: 17q11.2.
Variant type: single nucleotide variant.
Coding change: c.731-5T>G on transcript NM_001042492.3 (MANE Select); 5 bases into the intron before coding-DNA position 731, T replaced by G.
Molecular consequence: intron variant.
Genome position (GRCh38, 1-based): chr17:31,182,503, T>G. VCF-style: chr17-31182503-T-G. GRCh37 (hg19) VCF-style: chr17-29509521-T-G.
Other names: c.731-5T>G (NM_000267.4, NM_001128147.3).
Identifiers: ClinVar variation 1699330 (VCV001699330.3), dbSNP rs1597659721, ClinGen allele CA1139768335.